The following is an entry in ClinVar:

NM_001377.3(DYNC2H1):c.8637T>A (p.Tyr2879Ter)

Gene: DYNC2H1 (dynein cytoplasmic 2 heavy chain 1; plus strand). Cytogenetic location: 11q22.3.
Variant type: single nucleotide variant.
Coding change: c.8637T>A on transcript NM_001377.3 (MANE Select); coding-DNA position 8637, T replaced by A.
Protein change: p.Tyr2879Ter; replaces tyrosine 2879 with a stop codon.
Molecular consequence: nonsense.
Genome position (GRCh38, 1-based): chr11:103,211,886, T>A. VCF-style: chr11-103211886-T-A. GRCh37 (hg19) VCF-style: chr11-103082615-T-A.
Other names: c.8637T>A, p.Tyr2879Ter (NM_001080463.2); short protein forms Y2879*.
Identifiers: ClinVar variation 5014675 (VCV005014675.1).

ClinVar aggregate classification (germline): Pathogenic (1 of 4 stars; one submission).

Conditions:
Asphyxiating thoracic dystrophy 3. Also called: SHORT-RIB THORACIC DYSPLASIA 3 WITH OR WITHOUT POLYDACTYLY; POLYDACTYLY WITH NEONATAL CHONDRODYSTROPHY, TYPE I; SHORT-RIB THORACIC DYSPLASIA 3/6 WITH POLYDACTYLY, DIGENIC; Short rib polydactyly syndrome 2B; Saldino-Noonan Syndrome. Identifiers: Orphanet 474, Orphanet 93269, Orphanet 93270, Orphanet 93271, MedGen C0036069, MONDO:0013127, OMIM 613091.

Submission:

Myriad Genetics, Inc.
Classification: Pathogenic for Asphyxiating thoracic dystrophy 3. Last evaluated: 2025-07-02. Review status: criteria provided, single submitter. Criteria: Myriad Autosomal Dominant, Autosomal Recessive and X-Linked Classification Criteria (2023). Collection method: clinical testing. Allele origin: unknown.
Comment: NM_001377.2(DYNC2H1):c.8637T>A(Y2879*) is expected to be pathogenic in the context of DYNC2H1-related disorders. This variant is predicted to lead to an abnormal or absent protein product due to the creation of a premature termination codon in DYNC2H1, a gene where loss-of-function variants are known to be pathogenic. Please note: this variant was assessed in the context of healthy population screening.